The following is an entry in ClinVar:

ClinVar aggregate classification (germline): Likely pathogenic (1 of 4 stars; one submission).

Conditions:
Autosomal recessive limb-girdle muscular dystrophy type 2P. Also called: MUSCULAR DYSTROPHY-DYSTROGLYCANOPATHY, LIMB-GIRDLE, DAG1-RELATED; MUSCULAR DYSTROPHY, LIMB-GIRDLE, TYPE 2P; Limb-Girdle Muscular Dystrophy Type 9C. Identifiers: Orphanet 280333, MedGen C4511963, MONDO:0013440, OMIM 613818.
Muscular dystrophy-dystroglycanopathy (congenital with brain and eye anomalies), type A9. Also called: Muscular dystrophy-dystroglycanopathy (congenital with brain and eye anomalies), type a, 9; WALKER-WARBURG SYNDROME OR MUSCLE-EYE BRAIN DISEASE, DAG1-RELATED. Identifiers: Orphanet 370997, Orphanet 899, MedGen C4225291, MONDO:0014683, OMIM 616538.

Submission:

Labcorp Genetics (formerly Invitae), Labcorp
Classification: Likely pathogenic for Autosomal recessive limb-girdle muscular dystrophy type 2P; Muscular dystrophy-dystroglycanopathy (congenital with brain and eye anomalies), type A9. Last evaluated: 2022-07-06. Review status: criteria provided, single submitter. Criteria: Invitae Variant Classification Sherloc (09022015). Collection method: clinical testing. Allele origin: germline.
Comment: This sequence change creates a premature translational stop signal (p.Phe152Leufs*3) in the DAG1 gene. While this is not anticipated to result in nonsense mediated decay, it is expected to disrupt the last 744 amino acid(s) of the DAG1 protein. This variant is not present in population databases (gnomAD no frequency). This variant has not been reported in the literature in individuals affected with DAG1-related conditions. ClinVar contains an entry for this variant (Variation ID: 471776). This variant disrupts the C-terminus of the DAG1 protein. Other variant(s) that disrupt this region (p.A248Glufs*19) have been observed in individuals with DAG1-related conditions (PMID: 25934851). This suggests that this may be a clinically significant region of the protein. In summary, the currently available evidence indicates that the variant is pathogenic, but additional data are needed to prove that conclusively. Therefore, this variant has been classified as Likely Pathogenic.

Literature cited by the submitters: PubMed 25934851.

NM_004393.6(DAG1):c.454_467del (p.Phe152fs)

Gene: DAG1 (dystroglycan 1; plus strand). Cytogenetic location: 3p21.31.
Variant type: Deletion.
Coding change: c.454_467del on transcript NM_004393.6 (MANE Select); coding-DNA positions 454 to 467, 14 bases deleted (TTCTCCATCGAGGT).
Protein change: p.Phe152fs; shifts the reading frame from phenylalanine 152.
Molecular consequence: frameshift variant.
Genome position (GRCh38, 1-based): chr3:49,530,965-49,530,978, TTCTCCATCGAGGT deleted. VCF-style (leftmost placement, unchanged base first): chr3-49530964-GTTCTCCATCGAGGT-G. GRCh37 (hg19) VCF-style: chr3-49568397-GTTCTCCATCGAGGT-G.
Other names: c.454_467delTTCTCCATCGAGGT (NM_004393.5); c.454_467del, p.Phe152fs (NM_001165928.4, NM_001177634.3, NM_001177635.3 and 9 more transcripts); short protein forms F152fs.
Identifiers: ClinVar variation 471776 (VCV000471776.8), dbSNP rs1553652513, ClinGen allele CA658657296.